The following is an entry in ClinVar:

NM_003906.5(MCM3AP):c.5128G>C (p.Val1710Leu)

Genes: MCM3AP (minichromosome maintenance complex component 3 associated protein; minus strand), MCM3AP-AS1 (MCM3AP antisense RNA 1; plus strand). Cytogenetic location: 21q22.3.
Variant type: single nucleotide variant.
Coding change: c.5128G>C on transcript NM_003906.5 (MANE Select); coding-DNA position 5128, G replaced by C.
Protein change: p.Val1710Leu; replaces valine 1710 with leucine.
Molecular consequence: missense variant.
Genome position (GRCh38, 1-based): chr21:46,243,633, C>G on the plus strand (G>C on the coding strand, the complement: MCM3AP is on the minus strand). VCF-style: chr21-46243633-C-G. GRCh37 (hg19) VCF-style: chr21-47663547-C-G.
Other names: short protein forms V1710L.
Identifiers: ClinVar variation 1509925 (VCV001509925.7), dbSNP rs368939613, ClinGen allele CA10075942.

ClinVar aggregate classification (germline): Uncertain significance (1 of 4 stars; one submission).

Allele frequency attached by ClinVar (database versions not stated): gnomAD 0.00003 and 0.00004; gnomAD exomes 0.00004 and 0.00008; TOPMed 0.00005; ExAC 0.00006; ESP Exome Variant Server 0.00008.
gnomAD v4.1: 59 of 1,614,104 alleles (0.0037%); highest among the groups gnomAD compares: Admixed American, 0.015%; no homozygotes.

Submission:

Labcorp Genetics (formerly Invitae), Labcorp
Classification: Uncertain significance. Last evaluated: 2022-07-21. Review status: criteria provided, single submitter. Criteria: Invitae Variant Classification Sherloc (09022015). Collection method: clinical testing. Allele origin: germline.
Comment: This variant has not been reported in the literature in individuals affected with MCM3AP-related conditions. This variant is present in population databases (rs368939613, gnomAD 0.1%). This sequence change replaces valine, which is neutral and non-polar, with leucine, which is neutral and non-polar, at codon 1710 of the MCM3AP protein (p.Val1710Leu). ClinVar contains an entry for this variant (Variation ID: 1509925). In summary, the available evidence is currently insufficient to determine the role of this variant in disease. Therefore, it has been classified as a Variant of Uncertain Significance. Algorithms developed to predict the effect of missense changes on protein structure and function (SIFT, PolyPhen-2, Align-GVGD) all suggest that this variant is likely to be tolerated.